The following is an entry in ClinVar:

ClinVar aggregate classification (germline): Likely pathogenic. Review status: criteria provided, multiple submitters, no conflicts (2 of 4 stars). 2 submissions from 2 submitters: Likely pathogenic (2). Last evaluated 2024-01-05.
ClinVar aggregate classification (oncogenicity): Likely oncogenic (1 of 4 stars; one submission).

Conditions:
Hereditary cancer-predisposing syndrome. Also called: Neoplastic Syndromes, Hereditary; Tumor predisposition; Hereditary Cancer Syndrome; Hereditary neoplastic syndrome. Identifiers: Orphanet 140162, MedGen C0027672, MeSH D009386, MONDO:0015356.
Neoplasm. Also called: tumor; Neoplasms; Neoplasm (disease). Identifiers: MedGen C0027651, MeSH D009369, MONDO:0005070, HP:0002664.

Allele frequency attached by ClinVar (database versions not stated): gnomAD 0.00001; TOPMed 0.00001.
gnomAD v4.1: 1 of 1,613,116 alleles (0.000062%); highest among the groups gnomAD compares: African/African-American, 0.0013%; no homozygotes.

Submissions (3):

Center for Genomic Medicine, Rigshospitalet, Copenhagen University Hospital
Classification: Likely oncogenic for Neoplasm. Last evaluated: 2025-03-04. Review status: criteria provided, single submitter. Criteria: ClinGen/CGC/VICC Guidelines for Oncogenicity, 2022. Collection method: clinical testing. Allele origin: somatic. Affected: yes.

Ambry Genetics
Classification: Likely pathogenic for Hereditary cancer-predisposing syndrome. Last evaluated: 2024-01-05. Review status: criteria provided, single submitter. Criteria: Ambry Variant Classification Scheme 2023. Collection method: clinical testing. Allele origin: germline.
Comment: The c.476-1G>T intronic variant results from a G to T substitution one nucleotide upstream from coding exon 5 of the BRCA2 gene. Alterations that disrupt the canonical splice site are expected to cause aberrant splicing, resulting in an abnormal protein or a transcript that is subject to nonsense-mediated mRNA decay. This variant is considered to be rare based on population cohorts in the Genome Aggregation Database (gnomAD). This nucleotide position is highly conserved in available vertebrate species. In silico splice site analysis predicts that this alteration will weaken the native splice acceptor site and may result in the creation or strengthening of a novel splice acceptor site; however, direct evidence is insufficient at this time (Ambry internal data). Based on the majority of available evidence to date, this variant is likely to be pathogenic.

Color Diagnostics, LLC DBA Color Health
Classification: Likely pathogenic for Hereditary cancer-predisposing syndrome. Last evaluated: 2022-05-23. Review status: criteria provided, single submitter. Criteria: ACMG Guidelines, 2015. Collection method: clinical testing. Allele origin: germline.
Comment: This variant causes a G to T nucleotide substitution at the -1 position of intron 5 of the BRCA2 gene. Splice site prediction tools predict that this variant may have a significant impact on RNA splicing. Although this prediction has not been confirmed in published RNA studies, this variant is expected to result in an absent or disrupted protein product. This variant has not been reported in individuals affected with hereditary cancer in the literature. This variant has not been identified in the general population by the Genome Aggregation Database (gnomAD). Different variants affecting the same splice acceptor site, c.476-1G>C and c.476-2A>G, are known to be disease-causing (ClinVar variation ID: 575454, 37923). Loss of BRCA2 function is a known mechanism of disease. Based on the available evidence, this variant is classified as Likely Pathogenic.

Literature cited by the submitters: PubMed 33646313 (cited by Ambry Genetics).

NM_000059.4(BRCA2):c.476-1G>T

Gene: BRCA2 (BRCA2 DNA repair associated; plus strand). Cytogenetic location: 13q13.1.
Variant type: single nucleotide variant.
Coding change: c.476-1G>T on transcript NM_000059.4 (MANE Select); the canonical splice acceptor site of the intron before coding-DNA position 476, G replaced by T.
Molecular consequence: splice acceptor variant.
Genome position (GRCh38, 1-based): chr13:32,326,241, G>T. VCF-style: chr13-32326241-G-T. GRCh37 (hg19) VCF-style: chr13-32900378-G-T.
Other names: c.476-1G>T (NM_000059.3, NM_001406720.1, NM_001406719.1 and 1 more transcripts); c.107-1G>T (NM_001406722.1).
Identifiers: ClinVar variation 2774872 (VCV002774872.5), dbSNP rs397507340, ClinGen allele CA387757604.